The following is an entry in ClinVar:

NM_004168.4(SDHA):c.896-4G>A

Gene: SDHA (succinate dehydrogenase complex flavoprotein subunit A; plus strand). Cytogenetic location: 5p15.33.
Variant type: single nucleotide variant.
Coding change: c.896-4G>A on transcript NM_004168.4 (MANE Select); 4 bases into the intron before coding-DNA position 896, G replaced by A.
Molecular consequence: intron variant.
Genome position (GRCh38, 1-based): chr5:233,473, G>A. VCF-style: chr5-233473-G-A. GRCh37 (hg19) VCF-style: chr5-233588-G-A.
Other names: c.896-4G>A (NM_001330758.2); c.752-4G>A (NM_001294332.2).
Identifiers: ClinVar variation 472415 (VCV000472415.17), dbSNP rs555881974, ClinGen allele CA3173037.

ClinVar aggregate classification (germline): Likely benign. Review status: criteria provided, multiple submitters, no conflicts (2 of 4 stars). 4 submissions from 4 submitters: Likely benign (4). Last evaluated 2025-04-15.

Conditions:
Hereditary cancer-predisposing syndrome. Also called: Neoplastic Syndromes, Hereditary; Hereditary Cancer Syndrome; Hereditary neoplastic syndrome; Tumor predisposition. Identifiers: Orphanet 140162, MedGen C0027672, MeSH D009386, MONDO:0015356.
Pheochromocytoma/paraganglioma syndrome 5. Also called: Paragangliomas 5; SDHA-Related Hereditary Paraganglioma-Pheochromocytoma Syndrome. Identifiers: Orphanet 29072, MedGen C3279992, MONDO:0013602, OMIM 614165.
Mitochondrial complex II deficiency, nuclear type 1. Also called: SUCCINATE CoQ REDUCTASE DEFICIENCY. Identifiers: Orphanet 3208, MedGen C5700310, MONDO:0100294, OMIM 252011.

Allele frequency attached by ClinVar (database versions not stated): gnomAD exomes below 0.00001 and 0.00001; gnomAD 0.00001; ExAC 0.00002; 1000 Genomes Project 30x 0.00016; 1000 Genomes Project 0.00020.
gnomAD v4.1: 5 of 1,613,844 alleles (0.00031%); highest among the groups gnomAD compares: Middle Eastern, 0.017%; no homozygotes.

Submissions (4):

Ambry Genetics
Classification: Likely benign for Hereditary cancer-predisposing syndrome. Last evaluated: 2025-04-15. Review status: criteria provided, single submitter. Criteria: Ambry Variant Classification Scheme 2023. Collection method: clinical testing. Allele origin: germline.

Labcorp Genetics (formerly Invitae), Labcorp
Classification: Likely benign for Pheochromocytoma/paraganglioma syndrome 5; Mitochondrial complex II deficiency, nuclear type 1. Last evaluated: 2025-03-23. Review status: criteria provided, single submitter. Criteria: Invitae Variant Classification Sherloc (09022015). Collection method: clinical testing. Allele origin: germline.

Myriad Genetics, Inc.
Classification: Likely benign for Pheochromocytoma/paraganglioma syndrome 5. Last evaluated: 2025-03-04. Review status: criteria provided, single submitter. Criteria: Myriad Autosomal Dominant, Autosomal Recessive and X-Linked Classification Criteria (2023). Collection method: clinical testing. Allele origin: unknown.
Comment: This variant is considered likely benign. This variant is intronic and is not expected to impact mRNA splicing.

KCCC/NGS Laboratory, Kuwait Cancer Control Center
Classification: Likely benign for Pheochromocytoma/paraganglioma syndrome 5. Last evaluated: 2023-07-07. Review status: criteria provided, single submitter. Criteria: ACMG Guidelines, 2015. Collection method: clinical testing. Allele origin: germline. Affected: yes.